The following is an entry in ClinVar:

NM_017617.5(NOTCH1):c.2394C>T (p.Asn798=)

Gene: NOTCH1 (notch receptor 1; minus strand). Cytogenetic location: 9q34.3.
Variant type: single nucleotide variant.
Coding change: c.2394C>T on transcript NM_017617.5 (MANE Select); coding-DNA position 2394, C replaced by T.
Protein change: p.Asn798=; no amino-acid change (asparagine 798 retained).
Molecular consequence: synonymous variant.
Genome position (GRCh38, 1-based): chr9:136,513,094, G>A on the plus strand (C>T on the coding strand, the complement: NOTCH1 is on the minus strand). VCF-style: chr9-136513094-G-A. GRCh37 (hg19) VCF-style: chr9-139407546-G-A.
Other names: c.2394C>T (NM_017617.4).
Identifiers: ClinVar variation 764899 (VCV000764899.7), dbSNP rs1589064348, ClinGen allele CA467833319.

ClinVar aggregate classification (germline): Likely benign. Review status: criteria provided, multiple submitters, no conflicts (2 of 4 stars). 4 submissions from 4 submitters: Likely benign (3). 1 of the submissions does not count toward it. Last evaluated 2025-01-19.

Conditions:
NOTCH1-related disorder. Also called: NOTCH1-related disorders; NOTCH1-related condition.
Familial thoracic aortic aneurysm and aortic dissection (TAAD). Also called: Thoracic aortic aneurysms and dissections. Identifiers: Orphanet 91387, MedGen C4707243, MONDO:0019625.

Allele frequency attached by ClinVar (database versions not stated): gnomAD exomes below 0.00001.
gnomAD v4.1: 6 of 1,613,000 alleles (0.00037%); highest among the groups gnomAD compares: East Asian, 0.0022%; no homozygotes.

Submissions (4):

Ambry Genetics
Classification: Likely benign for Familial thoracic aortic aneurysm and aortic dissection. Last evaluated: 2025-01-19. Review status: criteria provided, single submitter. Criteria: Ambry Variant Classification Scheme 2023. Collection method: clinical testing. Allele origin: germline.

Blueprint Genetics
Classification: Likely benign. Last evaluated: 2021-08-30. Review status: criteria provided, single submitter. Criteria: ACMG Guidelines, 2015. Collection method: clinical testing. Allele origin: germline.

Labcorp Genetics (formerly Invitae), Labcorp
Classification: Likely benign. Last evaluated: 2018-07-23. Review status: criteria provided, single submitter. Criteria: Invitae Variant Classification Sherloc (09022015). Collection method: clinical testing. Allele origin: germline.

PreventionGenetics, part of Exact Sciences
Classification: Likely benign for NOTCH1-related condition. Last evaluated: 2021-05-26. Review status: no assertion criteria provided. Collection method: clinical testing. Allele origin: germline. Not counted in ClinVar's aggregate classification.
Comment: This variant is classified as likely benign based on ACMG/AMP sequence variant interpretation guidelines (Richards et al. 2015 PMID: 25741868, with internal and published modifications).